The following is an entry in ClinVar:

ClinVar aggregate classification (germline): Uncertain significance (1 of 4 stars; one submission).

Allele frequency attached by ClinVar (database versions not stated): gnomAD exomes below 0.00001; ExAC 0.00001; TOPMed 0.00001.
gnomAD v4.1: 7 of 1,612,220 alleles (0.00043%); highest among the groups gnomAD compares: Non-Finnish European, 0.00042%; no homozygotes.

Submission:

GeneDx
Classification: Uncertain significance. Last evaluated: 2026-02-09. Review status: criteria provided, single submitter. Criteria: GeneDx Variant Classification Process June 2021. Collection method: clinical testing. Allele origin: germline.
Comment: Not observed at significant frequency in large population cohorts (gnomAD); In silico analysis supports that this missense variant has a deleterious effect on protein structure/function; In silico analysis supports that this missense variant does not alter protein structure/function; Has not been previously published as pathogenic or benign to our knowledge

NM_004815.4(ARHGAP29):c.1672A>G (p.Ile558Val)

Gene: ARHGAP29 (Rho GTPase activating protein 29; minus strand). Cytogenetic location: 1p22.1.
Variant type: single nucleotide variant.
Coding change: c.1672A>G on transcript NM_004815.4 (MANE Select); coding-DNA position 1672, A replaced by G.
Protein change: p.Ile558Val; replaces isoleucine 558 with valine.
Molecular consequence: missense variant.
Genome position (GRCh38, 1-based): chr1:94,188,846, T>C on the plus strand (A>G on the coding strand, the complement: ARHGAP29 is on the minus strand). VCF-style: chr1-94188846-T-C. GRCh37 (hg19) VCF-style: chr1-94654402-T-C.
Other names: c.1672A>G, p.Ile558Val (NM_001328664.2); c.1480A>G, p.Ile494Val (NM_001328665.2, NM_001328667.2); c.1645A>G, p.Ile549Val (NM_001328666.2); short protein forms I494V, I549V, I558V.
Identifiers: ClinVar variation 2504987 (VCV002504987.2), dbSNP rs771049716, ClinGen allele CA959451.
Genomic context (GRCh38, chr1:94,188,846, plus strand): 5'-AGGACTGATCTTTCAATGAGTTTTCATTGCCAGACTTAAATATAGATGTACCTGGACTTA[T>C]AGATTCTGAATCCAGAGATCTAGATTCGCTGCTCCCTCCAGTGCTCTCAGAATCACTAAA-3'
Protein context (NP_004806.3, residues 548-568): SESRSLDSES[Ile558Val]SPGDFHRKLP